The following is an entry in ClinVar:

ClinVar aggregate classification (germline): Likely benign (1 of 4 stars; one submission).

Submission:

CeGaT Center for Human Genetics Tuebingen
Classification: Likely benign. Last evaluated: 2025-02-01. Review status: criteria provided, single submitter. Criteria: CeGaT Center For Human Genetics Tuebingen Variant Classification Criteria Version 2. Collection method: clinical testing. Allele origin: germline. Affected: yes. Observed: 1 variant allele.
Comment: TCTN1: BP4, BP7

NM_001082538.3(TCTN1):c.220+47A>C

Genes: TCTN1 (tectonic family member 1; plus strand), LOC130008755 (ATAC-STARR-seq lymphoblastoid active region 7012; plus strand). Cytogenetic location: 12q24.11.
Variant type: single nucleotide variant.
Coding change: c.220+47A>C on transcript NM_001082538.3 (MANE Select); 47 bases into the intron after coding-DNA position 220, A replaced by C.
Molecular consequence: intron variant. On other transcripts: missense variant (2), non-coding transcript variant (1).
Genome position (GRCh38, 1-based): chr12:110,614,449, A>C. VCF-style: chr12-110614449-A-C. GRCh37 (hg19) VCF-style: chr12-111052254-A-C.
Other names: c.38A>C, p.Gln13Pro (NM_001173975.3, NM_001319682.3); c.-37+47A>C (NM_001173976.2); c.-488+47A>C (NM_001319681.2); c.220+47A>C (NM_024549.6, NM_001082537.3, NM_001319680.2); short protein forms Q13P.
Identifiers: ClinVar variation 3771093 (VCV003771093.13).